The following is an entry in ClinVar:

NM_000283.4(PDE6B):c.1765dup (p.Ala589fs)

Gene: PDE6B (phosphodiesterase 6B; plus strand). Cytogenetic location: 4p16.3.
Variant type: Duplication.
Coding change: c.1765dup on transcript NM_000283.4 (MANE Select); coding-DNA position 1765, one base duplicated (G; older notation c.1765dupG).
Protein change: p.Ala589fs; shifts the reading frame from alanine 589.
Molecular consequence: frameshift variant.
Genome position (GRCh38, 1-based): chr4:662,551, G duplicated. VCF-style (leftmost placement, unchanged base first): chr4-662550-C-CG. GRCh37 (hg19) VCF-style: chr4-656339-C-CG.
Other names: c.1765dup, p.Ala589fs (NM_001145291.2); c.928dup, p.Ala310fs (NM_001145292.2, NM_001350154.3, NM_001379246.1 and 1 more transcripts); c.610dup, p.Ala204fs (NM_001350155.3); short protein forms A310fs, A204fs, A589fs.
Identifiers: ClinVar variation 1385018 (VCV001385018.6), dbSNP rs2109255277, ClinGen allele CA2573138211.

ClinVar aggregate classification (germline): Pathogenic (1 of 4 stars; one submission).

Submission:

Labcorp Genetics (formerly Invitae), Labcorp
Classification: Pathogenic. Last evaluated: 2021-02-01. Review status: criteria provided, single submitter. Criteria: Invitae Variant Classification Sherloc (09022015). Collection method: clinical testing. Allele origin: germline.
Comment: For these reasons, this variant has been classified as Pathogenic. This variant has not been reported in the literature in individuals with PDE6B-related conditions. This variant is not present in population databases (ExAC no frequency). This sequence change creates a premature translational stop signal (p.Ala589Glyfs*10) in the PDE6B gene. It is expected to result in an absent or disrupted protein product. Loss-of-function variants in PDE6B are known to be pathogenic (PMID: 8394174, 8595886, 22334370).

Literature cited by the submitters: PubMed 8394174; PubMed 8595886; PubMed 22334370.